The following is an entry in ClinVar:

ClinVar aggregate classification (germline): Pathogenic. Review status: criteria provided, multiple submitters, no conflicts (2 of 4 stars). 9 submissions from 8 submitters: Pathogenic (8). 1 of the submissions does not count toward it. Last evaluated 2025-09-20.

Conditions:
Retinitis pigmentosa 39 (RP39). Identifiers: Orphanet 791, MedGen C3151138, MONDO:0013436, OMIM 613809.
Usher syndrome type 2A. Also called: RETINAL DISEASE IN USHER SYNDROME TYPE IIA, MODIFIER OF; USHER SYNDROME, TYPE IIA. Identifiers: Orphanet 231178, Orphanet 886, MedGen C1848634, MONDO:0010169, OMIM 276901.
USH2A-related disorder. Also called: USH2A-related condition; USH2A-related disorders. Identifiers: MedGen CN239332.

Allele frequency attached by ClinVar (database versions not stated): gnomAD exomes below 0.00001; TOPMed below 0.00001; gnomAD 0.00001.
gnomAD v4.1: 2 of 1,613,908 alleles (0.00012%); highest among the groups gnomAD compares: Non-Finnish European, 0.00017%; no homozygotes.

Submissions (9):

Natera, Inc.
Classification: Pathogenic for Usher syndrome type 2A. Last evaluated: 2025-09-20. Review status: criteria provided, single submitter. Criteria: Natera Variant Classification Schema (03/2026). Collection method: clinical testing. Allele origin: germline.
Comment: The c.11105G>A variant in USH2A is a nonsense variant predicted to introduce a stop codon at amino acid 3702. This variant is expected to result in nonsense mediated decay, truncation, or a dysfunctional protein product. This variant is rare in the general population with a frequency below the threshold expected for the associated phenotype(s). This variant has been observed in one or more individuals affected with the associated recessive disease, as either homozygous or compound heterozygous with a second variant (PMID: 23591405, 25333064). Given the available evidence, this variant is classified as Pathogenic.

Labcorp Genetics (formerly Invitae), Labcorp
Classification: Pathogenic. Last evaluated: 2025-06-29. Review status: criteria provided, single submitter. Criteria: Invitae Variant Classification Sherloc (09022015). Collection method: clinical testing. Allele origin: germline.
Comment: This sequence change creates a premature translational stop signal (p.Trp3702*) in the USH2A gene. It is expected to result in an absent or disrupted protein product. Loss-of-function variants in USH2A are known to be pathogenic (PMID: 10729113, 10909849, 20507924, 25649381). This variant is not present in population databases (gnomAD no frequency). This premature translational stop signal has been observed in individual(s) with Usher syndrome or retinitis pigmentosa (PMID: 23591405, 26667666). ClinVar contains an entry for this variant (Variation ID: 374674). For these reasons, this variant has been classified as Pathogenic.

Genome-Nilou Lab
Classification: Pathogenic for Retinitis pigmentosa 39. Last evaluated: 2023-11-04. Review status: criteria provided, single submitter. Criteria: ACMG Guidelines, 2015. Collection method: clinical testing. Allele origin: germline. Affected: no.

Genome-Nilou Lab
Classification: Pathogenic for Usher syndrome type 2A. Last evaluated: 2023-11-04. Review status: criteria provided, single submitter. Criteria: ACMG Guidelines, 2015. Collection method: clinical testing. Allele origin: germline. Affected: no.

Baylor Genetics
Classification: Pathogenic for Retinitis pigmentosa 39. Last evaluated: 2023-08-16. Review status: criteria provided, single submitter. Criteria: ACMG Guidelines, 2015. Collection method: clinical testing. Allele origin: unknown.

CeGaT Center for Human Genetics Tuebingen
Classification: Pathogenic. Last evaluated: 2022-11-01. Review status: criteria provided, single submitter. Criteria: CeGaT Center For Human Genetics Tuebingen Variant Classification Criteria Version 2. Collection method: clinical testing. Allele origin: germline. Affected: yes. Observed: 5 variant alleles.
Comment: USH2A: PVS1, PM2

Blueprint Genetics
Classification: Pathogenic for USH2A-related disorders. Last evaluated: 2022-01-06. Review status: criteria provided, single submitter. Criteria: ACMG Guidelines, 2015. Collection method: clinical testing. Allele origin: germline. Affected: yes. Observed: 3 variant alleles.

Institute of Medical Genetics and Applied Genomics, University Hospital Tübingen
Classification: Pathogenic. Last evaluated: 2021-09-15. Review status: criteria provided, single submitter. Criteria: ACMG Guidelines, 2015. Collection method: clinical testing. Allele origin: germline. Inheritance: Autosomal recessive inheritance. Affected: yes.

Counsyl
Classification: Pathogenic for Usher syndrome type 2A; Retinitis pigmentosa 39. Last evaluated: 2017-12-07. Review status: no assertion criteria provided. Collection method: clinical testing. Allele origin: unknown. Not counted in ClinVar's aggregate classification.

Literature cited by the submitters: PubMed 23591405 (cited by Natera, Inc. and Labcorp Genetics (formerly Invitae), Labcorp); PubMed 25333064 (cited by Natera, Inc.); PubMed 10729113 (cited by Labcorp Genetics (formerly Invitae), Labcorp); PubMed 10909849 (cited by Labcorp Genetics (formerly Invitae), Labcorp); PubMed 20507924 (cited by Labcorp Genetics (formerly Invitae), Labcorp); PubMed 25649381 (cited by Labcorp Genetics (formerly Invitae), Labcorp); PubMed 26667666 (cited by Labcorp Genetics (formerly Invitae), Labcorp); PubMed 27460420 (cited by Counsyl).

NM_206933.4(USH2A):c.11105G>A (p.Trp3702Ter)

Gene: USH2A (usherin; minus strand). Cytogenetic location: 1q41.
Variant type: single nucleotide variant.
Coding change: c.11105G>A on transcript NM_206933.4 (MANE Select); coding-DNA position 11105, G replaced by A.
Protein change: p.Trp3702Ter; replaces tryptophan 3702 with a stop codon.
Molecular consequence: nonsense.
Genome position (GRCh38, 1-based): chr1:215,759,786, C>T on the plus strand (G>A on the coding strand, the complement: USH2A is on the minus strand). VCF-style: chr1-215759786-C-T. GRCh37 (hg19) VCF-style: chr1-215933128-C-T.
Other names: short protein forms W3702*.
Identifiers: ClinVar variation 374674 (VCV000374674.58), dbSNP rs1057519193, ClinGen allele CA16043841.